The following is an entry in ClinVar:

ClinVar aggregate classification (germline): Uncertain significance (1 of 4 stars; one submission).

Submission:

GeneDx
Classification: Uncertain significance. Last evaluated: 2022-04-04. Review status: criteria provided, single submitter. Criteria: GeneDx Variant Classification Process June 2021. Collection method: clinical testing. Allele origin: germline. Affected: yes.
Comment: Not observed at significant frequency in large population cohorts (gnomAD); In silico analysis supports that this missense variant has a deleterious effect on protein structure/function; Has not been previously published as pathogenic or benign to our knowledge

NM_001127671.2(LIFR):c.14A>G (p.Tyr5Cys)

Gene: LIFR (LIF receptor subunit alpha; minus strand). Cytogenetic location: 5p13.1.
Variant type: single nucleotide variant.
Coding change: c.14A>G on transcript NM_001127671.2 (MANE Select); coding-DNA position 14, A replaced by G.
Protein change: p.Tyr5Cys; replaces tyrosine 5 with cysteine.
Molecular consequence: missense variant.
Genome position (GRCh38, 1-based): chr5:38,530,634, T>C on the plus strand (A>G on the coding strand, the complement: LIFR is on the minus strand). VCF-style: chr5-38530634-T-C. GRCh37 (hg19) VCF-style: chr5-38530736-T-C.
Other names: c.14A>G, p.Tyr5Cys (NM_001364297.2, NM_001364298.2, NM_002310.6); short protein forms Y5C.
Identifiers: ClinVar variation 1708658 (VCV001708658.2), dbSNP rs2531145832, ClinGen allele CA359616419.